The following is an entry in ClinVar:

ClinVar aggregate classification (germline): Uncertain significance (1 of 4 stars; one submission).

Submission:

GeneDx
Classification: Uncertain significance. Last evaluated: 2024-06-24. Review status: criteria provided, single submitter. Criteria: GeneDx Variant Classification Process June 2021. Collection method: clinical testing. Allele origin: germline. Affected: yes.
Comment: Not observed at significant frequency in large population cohorts (gnomAD); In silico analysis indicates that this missense variant does not alter protein structure/function; Has not been previously published as pathogenic or benign to our knowledge

NM_001038603.3(MARVELD2):c.448G>T (p.Ala150Ser)

Gene: MARVELD2 (MARVEL domain containing 2; plus strand). Cytogenetic location: 5q13.2.
Variant type: single nucleotide variant.
Coding change: c.448G>T on transcript NM_001038603.3 (MANE Select); coding-DNA position 448, G replaced by T.
Protein change: p.Ala150Ser; replaces alanine 150 with serine.
Molecular consequence: missense variant.
Genome position (GRCh38, 1-based): chr5:69,419,833, G>T. VCF-style: chr5-69419833-G-T. GRCh37 (hg19) VCF-style: chr5-68715660-G-T.
Other names: c.448G>T, p.Ala150Ser (NM_001244734.2); short protein forms A150S.
Identifiers: ClinVar variation 3392673 (VCV003392673.1).